The following is an entry in ClinVar:

NM_024675.4(PALB2):c.1871T>C (p.Leu624Pro)

Gene: PALB2 (partner and localizer of BRCA2; minus strand). Cytogenetic location: 16p12.2.
Variant type: single nucleotide variant.
Coding change: c.1871T>C on transcript NM_024675.4 (MANE Select); coding-DNA position 1871, T replaced by C.
Protein change: p.Leu624Pro; replaces leucine 624 with proline.
Molecular consequence: missense variant.
Genome position (GRCh38, 1-based): chr16:23,630,283, A>G on the plus strand (T>C on the coding strand, the complement: PALB2 is on the minus strand). VCF-style: chr16-23630283-A-G. GRCh37 (hg19) VCF-style: chr16-23641604-A-G.
Other names: short protein forms L624P.
Identifiers: ClinVar variation 410194 (VCV000410194.9), dbSNP rs1060502791, ClinGen allele CA16614874.

ClinVar aggregate classification (germline): Uncertain significance (1 of 4 stars; one submission).

Conditions:
Familial cancer of breast. Also called: BREAST CANCER, FAMILIAL; Hereditary breast cancer; hereditary breast carcinoma. Identifiers: Orphanet 227535, MedGen C0346153, MONDO:0016419, OMIM 114480. Disease mechanism: loss of function.

Submission:

Labcorp Genetics (formerly Invitae), Labcorp
Classification: Uncertain significance for Familial cancer of breast. Last evaluated: 2016-11-07. Review status: criteria provided, single submitter. Criteria: Invitae Variant Classification Sherloc (09022015). Collection method: clinical testing. Allele origin: germline.
Comment: This sequence change replaces leucine with proline at codon 624 of the PALB2 protein (p.Leu624Pro). The leucine residue is highly conserved and there is a moderate physicochemical difference between leucine and proline. This variant is not present in population databases (ExAC no frequency) and has not been reported in the literature in individuals with a PALB2-related disease. Algorithms developed to predict the effect of missense changes on protein structure and function do not agree on the potential impact of this missense change (SIFT: "Deleterious"; PolyPhen-2: "Probably Damaging"; Align-GVGD: "Class C0"). In summary, this variant is a novel missense change with uncertain impact on protein function. It has been classified as a Variant of Uncertain Significance.